The following is an entry in ClinVar:

ClinVar aggregate classification (germline): Uncertain significance. Review status: criteria provided, multiple submitters, no conflicts (2 of 4 stars). 2 submissions from 2 submitters: Uncertain significance (2). Last evaluated 2025-08-04.

Conditions:
Drash syndrome (DDS). Also called: NEPHROPATHY, WILMS TUMOR, AND GENITAL ANOMALIES; WILMS TUMOR AND PSEUDO- OR TRUE HERMAPHRODITISM. Identifiers: Orphanet 220, MedGen C0950121, MONDO:0008682, OMIM 194080.
Frasier syndrome. Identifiers: Orphanet 347, MedGen C0950122, MeSH D052159, MONDO:0007635, OMIM 136680.
Wilms tumor 1 (WT1). Also called: Wilms tumor, somatic. Identifiers: Orphanet 654, MedGen CN033288, MONDO:0008679, OMIM 194070.
11p partial monosomy syndrome (WAGR). Also called: WAGR Spectrum Disorder; WAGR syndrome; WAGR Complex; CHROMOSOME 11p13 DELETION SYNDROME. Identifiers: Orphanet 893, MedGen C0206115, MONDO:0008681, OMIM 194072.
Inborn genetic diseases. Identifiers: MedGen C0950123, MeSH D030342.

gnomAD v4.1: 2 of 1,612,624 alleles (0.00012%); highest among the groups gnomAD compares: Non-Finnish European, 0.00017%; no homozygotes.

Submissions (2):

Ambry Genetics
Classification: Uncertain significance for Inborn genetic diseases. Last evaluated: 2025-08-04. Review status: criteria provided, single submitter. Criteria: Ambry Variant Classification Scheme 2023. Collection method: clinical testing. Allele origin: germline.
Comment: The p.A188E variant (also known as c.563C>A), located in coding exon 1 of the WT1 gene, results from a C to A substitution at nucleotide position 563. The alanine at codon 188 is replaced by glutamic acid, an amino acid with dissimilar properties. This amino acid position is conserved. In addition, the in silico prediction for this alteration is inconclusive. Based on the available evidence, the clinical significance of this variant remains unclear.

Labcorp Genetics (formerly Invitae), Labcorp
Classification: Uncertain significance for Wilms tumor 1; Drash syndrome; 11p partial monosomy syndrome; Frasier syndrome. Last evaluated: 2022-07-04. Review status: criteria provided, single submitter. Criteria: Invitae Variant Classification Sherloc (09022015). Collection method: clinical testing. Allele origin: germline.
Comment: In summary, the available evidence is currently insufficient to determine the role of this variant in disease. Therefore, it has been classified as a Variant of Uncertain Significance. This sequence change replaces alanine, which is neutral and non-polar, with glutamic acid, which is acidic and polar, at codon 188 of the WT1 protein (p.Ala188Glu). Algorithms developed to predict the effect of missense changes on protein structure and function are either unavailable or do not agree on the potential impact of this missense change (SIFT: "Tolerated"; PolyPhen-2: "Possibly Damaging"; Align-GVGD: "Class C15"). This variant has not been reported in the literature in individuals affected with WT1-related conditions. This variant is not present in population databases (gnomAD no frequency).

NM_024426.6(WT1):c.578C>A (p.Ala193Glu)

Genes: WT1 (WT1 transcription factor; minus strand), LOC107982234 (WT1/WT1-AS bi-directional promoter region; plus strand). Cytogenetic location: 11p13.
Variant type: single nucleotide variant.
Coding change: c.578C>A on transcript NM_024426.6 (MANE Select); coding-DNA position 578, C replaced by A.
Protein change: p.Ala193Glu; replaces alanine 193 with glutamic acid.
Molecular consequence: missense variant. On other transcripts: non-coding transcript variant (1).
Genome position (GRCh38, 1-based): chr11:32,434,783, G>T on the plus strand (C>A on the coding strand, the complement: WT1 is on the minus strand). VCF-style: chr11-32434783-G-T. GRCh37 (hg19) VCF-style: chr11-32456329-G-T.
Other names: c.578C>A, p.Ala193Glu (NM_000378.6, NM_001407044.1, NM_001407045.1 and 6 more transcripts); c.563C>A, p.Ala188Glu (NM_024425.2); c.563C>A (NM_024426.4); short protein forms A193E, A188E.
Identifiers: ClinVar variation 2107596 (VCV002107596.5), dbSNP rs572926487, ClinGen allele CA379964601.